The following is an entry in ClinVar:

ClinVar aggregate classification (germline): Likely benign. Review status: criteria provided, multiple submitters, no conflicts (2 of 4 stars). 2 submissions from 2 submitters: Likely benign (2). Last evaluated 2023-12-12.

Allele frequency attached by ClinVar (database versions not stated): TOPMed 0.00001; gnomAD exomes 0.00002; ExAC 0.00003; gnomAD 0.00003; ESP Exome Variant Server 0.00008.
gnomAD v4.1: 31 of 1,613,898 alleles (0.0019%); highest among the groups gnomAD compares: South Asian, 0.015%; no homozygotes.

Submissions (2):

Labcorp Genetics (formerly Invitae), Labcorp
Classification: Likely benign. Last evaluated: 2023-12-12. Review status: criteria provided, single submitter. Criteria: Invitae Variant Classification Sherloc (09022015). Collection method: clinical testing. Allele origin: germline.

GeneDx
Classification: Likely benign. Last evaluated: 2017-08-25. Review status: criteria provided, single submitter. Criteria: GeneDx Variant Classification (06012015). Collection method: clinical testing. Allele origin: germline. Affected: yes.
Comment: This variant is considered likely benign or benign based on one or more of the following criteria: it is a conservative change, it occurs at a poorly conserved position in the protein, it is predicted to be benign by multiple in silico algorithms, and/or has population frequency not consistent with disease.

NM_006996.3(SLC19A2):c.399C>T (p.Ile133=)

Gene: SLC19A2 (solute carrier family 19 member 2; minus strand). Cytogenetic location: 1q24.2.
Variant type: single nucleotide variant.
Coding change: c.399C>T on transcript NM_006996.3 (MANE Select); coding-DNA position 399, C replaced by T.
Protein change: p.Ile133=; no amino-acid change (isoleucine 133 retained).
Molecular consequence: synonymous variant. On other transcripts: intron variant (1).
Genome position (GRCh38, 1-based): chr1:169,477,563, G>A on the plus strand (C>T on the coding strand, the complement: SLC19A2 is on the minus strand). VCF-style: chr1-169477563-G-A. GRCh37 (hg19) VCF-style: chr1-169446801-G-A.
Other names: c.205-7377C>T (NM_001319667.1).
Identifiers: ClinVar variation 511377 (VCV000511377.4), dbSNP rs368349356, ClinGen allele CA1233079.
Genomic context (GRCh38, chr1:169,477,563, plus strand): 5'-CATGCCCAGGTCCACCACACTGTAGATATAAGAGTAATAGGCAATTTCAGTGGCTGTGGC[G>A]ATGCCATAAAAAAATTCTAGAAATTGAATGGCCAGCAGTCCCTGGGCATAGAGCAGCATA-3'
Protein context (NP_008927.1, residues 123-143): AIQFLEFFYG[Ile133=]ATATEIAYYS